The following is an entry in ClinVar:

ClinVar aggregate classification (germline): Pathogenic (1 of 4 stars; one submission).

Submission:

Labcorp Genetics (formerly Invitae), Labcorp
Classification: Pathogenic. Last evaluated: 2023-11-07. Review status: criteria provided, single submitter. Criteria: Invitae Variant Classification Sherloc (09022015). Collection method: clinical testing. Allele origin: germline.
Comment: This sequence change creates a premature translational stop signal (p.Tyr494*) in the ASPH gene. It is expected to result in an absent or disrupted protein product. Loss-of-function variants in ASPH are known to be pathogenic (PMID: 24768550, 30194805, 30600741, 31012784). This variant is not present in population databases (gnomAD no frequency). This variant has not been reported in the literature in individuals affected with ASPH-related conditions. For these reasons, this variant has been classified as Pathogenic.

Literature cited by the submitters: PubMed 24768550; PubMed 30194805; PubMed 30600741; PubMed 31012784.

NM_004318.4(ASPH):c.1482T>A (p.Tyr494Ter)

Gene: ASPH (aspartate beta-hydroxylase; minus strand). Cytogenetic location: 8q12.3.
Variant type: single nucleotide variant.
Coding change: c.1482T>A on transcript NM_004318.4 (MANE Select); coding-DNA position 1482, T replaced by A.
Protein change: p.Tyr494Ter; replaces tyrosine 494 with a stop codon.
Molecular consequence: nonsense. On other transcripts: intron variant (1).
Genome position (GRCh38, 1-based): chr8:61,555,978, A>T on the plus strand (T>A on the coding strand, the complement: ASPH is on the minus strand). VCF-style: chr8-61555978-A-T. GRCh37 (hg19) VCF-style: chr8-62468537-A-T.
Other names: c.1380T>A, p.Tyr460Ter (NM_001413869.1); c.1377T>A, p.Tyr459Ter (NM_001413870.1); c.1353T>A, p.Tyr451Ter (NM_001413871.1, NM_001413872.1, NM_001413859.1 and 1 more transcripts); c.1350T>A, p.Tyr450Ter (NM_001413873.1); c.1341T>A, p.Tyr447Ter (NM_001413874.1); c.1338T>A, p.Tyr446Ter (NM_001413875.1); c.1311T>A, p.Tyr437Ter (NM_001413876.1, NM_001413877.1); c.1395T>A, p.Tyr465Ter (NM_001164750.2, NM_001413864.1, NM_001413865.1 and 1 more transcripts); and 33 more; short protein forms Y332*, Y411*, Y431*, Y437*, Y446*, Y447*, Y459*, Y475*.
Identifiers: ClinVar variation 2768808 (VCV002768808.3), dbSNP rs1827734095, ClinGen allele CA371321282.